The following is an entry in ClinVar:

NM_000465.4(BARD1):c.1553C>T (p.Ala518Val)

Gene: BARD1 (BRCA1 associated RING domain 1; minus strand). Cytogenetic location: 2q35.
Variant type: single nucleotide variant.
Coding change: c.1553C>T on transcript NM_000465.4 (MANE Select); coding-DNA position 1553, C replaced by T.
Protein change: p.Ala518Val; replaces alanine 518 with valine.
Molecular consequence: missense variant. On other transcripts: non-coding transcript variant (3), intron variant (3).
Genome position (GRCh38, 1-based): chr2:214,767,497, G>A on the plus strand (C>T on the coding strand, the complement: BARD1 is on the minus strand). VCF-style: chr2-214767497-G-A. GRCh37 (hg19) VCF-style: chr2-215632221-G-A.
Other names: c.1496C>T, p.Ala499Val (NM_001282543.2); c.159-14942C>T (NM_001282548.2); c.216-14942C>T (NM_001282545.2); c.364+24800C>T (NM_001282549.2); short protein forms A518V, A499V.
Identifiers: ClinVar variation 481362 (VCV000481362.23), dbSNP rs758139986, ClinGen allele CA2090241.

ClinVar aggregate classification (germline): Uncertain significance. Review status: criteria provided, multiple submitters, no conflicts (2 of 4 stars). 4 submissions from 4 submitters: Uncertain significance (4). Last evaluated 2025-12-13.

Conditions:
Familial cancer of breast. Also called: BREAST CANCER, FAMILIAL; Hereditary breast cancer; hereditary breast carcinoma. Identifiers: Orphanet 227535, MedGen C0346153, MONDO:0016419, OMIM 114480. Disease mechanism: loss of function.
Hereditary cancer-predisposing syndrome. Also called: Hereditary Cancer Syndrome; Neoplastic Syndromes, Hereditary; Tumor predisposition; Hereditary neoplastic syndrome. Identifiers: Orphanet 140162, MedGen C0027672, MeSH D009386, MONDO:0015356.

Allele frequency attached by ClinVar (database versions not stated): ExAC 0.00001; gnomAD exomes 0.00001 and 0.00002.
gnomAD v4.1: 7 of 1,613,590 alleles (0.00043%); no homozygotes.

Submissions (4):

Labcorp Genetics (formerly Invitae), Labcorp
Classification: Uncertain significance for Familial cancer of breast. Last evaluated: 2025-12-13. Review status: criteria provided, single submitter. Criteria: Invitae Variant Classification Sherloc (09022015). Collection method: clinical testing. Allele origin: germline.
Comment: This sequence change replaces alanine, which is neutral and non-polar, with valine, which is neutral and non-polar, at codon 518 of the BARD1 protein (p.Ala518Val). This variant is present in population databases (rs758139986, gnomAD 0.04%). This variant has not been reported in the literature in individuals affected with BARD1-related conditions. ClinVar contains an entry for this variant (Variation ID: 481362). An algorithm developed to predict the effect of missense changes on protein structure and function (PolyPhen-2) suggests that this variant is likely to be disruptive. Experimental studies have shown that this missense change does not substantially affect BARD1 function (PMID: 30925164). In summary, the available evidence is currently insufficient to determine the role of this variant in disease. Therefore, it has been classified as a Variant of Uncertain Significance.

Ambry Genetics
Classification: Uncertain significance for Hereditary cancer-predisposing syndrome. Last evaluated: 2025-03-21. Review status: criteria provided, single submitter. Criteria: Ambry Variant Classification Scheme 2023. Collection method: clinical testing. Allele origin: germline.
Comment: The p.A518V variant (also known as c.1553C>T), located in coding exon 6 of the BARD1 gene, results from a C to T substitution at nucleotide position 1553. The alanine at codon 518 is replaced by valine, an amino acid with similar properties. This alteration was found to have functionally intermediate activity in a homology-directed DNA repair (HDR) assay (Adamovich AI et al. PLoS Genet., 2019 03;15:e1008049). This amino acid position is highly conserved in available vertebrate species. In addition, this alteration is predicted to be deleterious by in silico analysis. Based on the available evidence, the clinical significance of this variant remains unclear.

Color Diagnostics, LLC DBA Color Health
Classification: Uncertain significance for Hereditary cancer-predisposing syndrome. Last evaluated: 2024-12-11. Review status: criteria provided, single submitter. Criteria: ACMG Guidelines, 2015. Collection method: clinical testing. Allele origin: germline.
Comment: This missense variant replaces alanine with valine at codon 518 of the BARD1 protein. Computational prediction suggests that this variant may have deleterious impact on protein structure and function. A functional study has shown that this variant protein causes moderate decrease in the homology-directed DNA repair activity in a mammalian cell-based assay (PMID: 30925164). To our knowledge, this variant has not been reported in individuals affected with hereditary cancer in the literature. This variant has been identified in 4/251228 chromosomes in the general population by the Genome Aggregation Database (gnomAD). The available evidence is insufficient to determine the role of this variant in disease conclusively. Therefore, this variant is classified as a Variant of Uncertain Significance.

Quest Diagnostics Nichols Institute San Juan Capistrano
Classification: Uncertain significance. Last evaluated: 2024-06-12. Review status: criteria provided, single submitter. Criteria: Quest Diagnostics criteria. Collection method: clinical testing. Allele origin: unknown.
Comment: The BARD1 c.1553C>T (p.Ala518Val) variant has been reported in the published literature in an individual with breast cancer in a breast cancer association study (PMID: 33471991 (2021), see also LOVD). One functional analysis demonstrated that this variant led to a moderate decrease in HDR (homology-directed DNA repair) activity (PMID: 30925164 (2019)), but additional studies are needed to determine the impact of this variant on gene and gene product. The frequency of this variant in the general population, 0.0004 (4/10078 chromosomes in Ashkenazi Jewish subpopulation (Genome Aggregation Database)), is higher than would generally be expected for pathogenic variants in this gene. Analysis of this variant using bioinformatics tools for the prediction of the effect of amino acid changes on protein structure and function yielded predictions that this variant is damaging. Based on the available information, we are unable to determine the clinical significance of this variant.

Literature cited by the submitters: PubMed 30925164 (cited by 4 submitters); PubMed 33471991 (cited by Quest Diagnostics Nichols Institute San Juan Capistrano).